The following is an entry in ClinVar:

ClinVar aggregate classification (germline): Conflicting classifications of pathogenicity. Review status: criteria provided, conflicting classifications (1 of 4 stars). 3 submissions from 3 submitters: Uncertain significance (1); Likely benign (2). Last evaluated 2026-03-27.

Conditions:
Hereditary cancer-predisposing syndrome. Also called: Neoplastic Syndromes, Hereditary; Tumor predisposition; Hereditary Cancer Syndrome; Hereditary neoplastic syndrome. Identifiers: Orphanet 140162, MedGen C0027672, MeSH D009386, MONDO:0015356.
Hereditary breast ovarian cancer syndrome. Also called: Hereditary breast and ovarian cancer; Hereditary breast and ovarian cancer syndrome; Hereditary breast and ovarian cancer syndrome (HBOC); BRCA1- and BRCA2-Associated Hereditary Breast and Ovarian Cancer; Breast and ovarian cancer; Hereditary breast and/or ovarian cancer syndrome. Identifiers: Orphanet 145, MedGen C0677776, MeSH D061325, MONDO:0003582. Disease mechanism: loss of function.

Submissions (3):

Ambry Genetics
Classification: Likely benign for Hereditary cancer-predisposing syndrome. Last evaluated: 2026-03-27. Review status: criteria provided, single submitter. Criteria: Ambry Variant Classification Scheme 2023. Collection method: clinical testing. Allele origin: germline.

Labcorp Genetics (formerly Invitae), Labcorp
Classification: Uncertain significance for Hereditary breast ovarian cancer syndrome. Last evaluated: 2025-08-25. Review status: criteria provided, single submitter. Criteria: Invitae Variant Classification Sherloc (09022015). Collection method: clinical testing. Allele origin: germline.
Comment: This sequence change replaces aspartic acid, which is acidic and polar, with glutamic acid, which is acidic and polar, at codon 1899 of the BRCA2 protein (p.Asp1899Glu). This variant is not present in population databases (gnomAD no frequency). This variant has not been reported in the literature in individuals affected with BRCA2-related conditions. ClinVar contains an entry for this variant (Variation ID: 1380255). Invitae Evidence Modeling of protein sequence and biophysical properties (such as structural, functional, and spatial information, amino acid conservation, physicochemical variation, residue mobility, and thermodynamic stability) indicates that this missense variant is not expected to disrupt BRCA2 protein function with a negative predictive value of 95%. In summary, the available evidence is currently insufficient to determine the role of this variant in disease. Therefore, it has been classified as a Variant of Uncertain Significance.

University of Washington Department of Laboratory Medicine, University of Washington
Classification: Likely benign for Hereditary cancer-predisposing syndrome. Last evaluated: 2023-03-23. Review status: criteria provided, single submitter. Criteria: Dines et al. (Genet Med. 2020). Collection method: curation. Allele origin: germline.
Comment: Missense variant in a coldspot region where missense variants are very unlikely to be pathogenic (PMID:31911673).

BRCA2 exon 11 coldspot. Reclassification based on statistical prior probability.

NM_000059.4(BRCA2):c.5697T>A (p.Asp1899Glu)

Gene: BRCA2 (BRCA2 DNA repair associated; plus strand). Cytogenetic location: 13q13.1.
Variant type: single nucleotide variant.
Coding change: c.5697T>A on transcript NM_000059.4 (MANE Select); coding-DNA position 5697, T replaced by A.
Protein change: p.Asp1899Glu; replaces aspartic acid 1899 with glutamic acid.
Molecular consequence: missense variant.
Genome position (GRCh38, 1-based): chr13:32,340,052, T>A. VCF-style: chr13-32340052-T-A. GRCh37 (hg19) VCF-style: chr13-32914189-T-A.
Other names: c.5697T>A (NM_000059.3); short protein forms D1899E.
Identifiers: ClinVar variation 1380255 (VCV001380255.8), dbSNP rs786203565, ClinGen allele CA387786704.
Genomic context (GRCh38, chr13:32,340,052, plus strand): 5'-GAATAAATCAAAAATTTGCCAAACGAAAATTATGGCAGGTTGTTACGAGGCATTGGATGA[T>A]TCAGAGGATATTCTTCATAACTCTCTAGATAATGATGAATGTAGCACGCATTCACATAAG-3'
Protein context (NP_000050.3, residues 1889-1909): IMAGCYEALD[Asp1899Glu]SEDILHNSLD